The following is an entry in ClinVar:

ClinVar aggregate classification (germline): Uncertain significance (0 of 4 stars; one submission).

Conditions:
EYA1-related disorder. Also called: EYA1-related condition.

Allele frequency attached by ClinVar (database versions not stated): gnomAD exomes 0.00002; TOPMed 0.00002; gnomAD 0.00003; ExAC 0.00005; 1000 Genomes Project 30x 0.00016; 1000 Genomes Project 0.00020.
gnomAD v4.1: 33 of 1,610,722 alleles (0.002%); highest among the groups gnomAD compares: East Asian, 0.042%; no homozygotes.

Submission:

PreventionGenetics, part of Exact Sciences
Classification: Uncertain significance for EYA1-related condition. Last evaluated: 2024-06-06. Review status: no assertion criteria provided. Collection method: clinical testing. Allele origin: germline.
Comment: The EYA1 c.1082G>A variant is predicted to result in the amino acid substitution p.Arg361Gln. This variant has been reported in a father and son with hearing loss (Mutai et al 2022. PubMed ID: 35248088). This variant is reported in 0.060% of alleles in individuals of East Asian descent in gnomAD. At this time, the clinical significance of this variant is uncertain due to the absence of conclusive functional and genetic evidence.

NM_000503.6(EYA1):c.1082G>A (p.Arg361Gln)

Gene: EYA1 (EYA transcriptional coactivator and phosphatase 1; minus strand). Cytogenetic location: 8q13.3.
Variant type: single nucleotide variant.
Coding change: c.1082G>A on transcript NM_000503.6 (MANE Select); coding-DNA position 1082, G replaced by A.
Protein change: p.Arg361Gln; replaces arginine 361 with glutamine.
Molecular consequence: missense variant. On other transcripts: intron variant (2).
Genome position (GRCh38, 1-based): chr8:71,244,661, C>T on the plus strand (G>A on the coding strand, the complement: EYA1 is on the minus strand). VCF-style: chr8-71244661-C-T. GRCh37 (hg19) VCF-style: chr8-72156896-C-T.
Other names: c.1064G>A, p.Arg355Gln (NM_001288574.2); c.716G>A, p.Arg239Gln (NM_001288575.2); c.1169G>A, p.Arg390Gln (NM_001370333.1); c.1082G>A, p.Arg361Gln (NM_001370334.1, NM_001370335.1, NM_172058.4); c.983G>A, p.Arg328Gln (NM_001411797.1, NM_172060.4); c.1119+25079G>A (NM_001370336.1); c.1122+25079G>A (NM_172059.5); short protein forms R239Q, R328Q, R355Q, R361Q, R390Q.
Identifiers: ClinVar variation 2635802 (VCV002635802.2), dbSNP rs145219836, ClinGen allele CA4779575.